The following is an entry in ClinVar:

NM_000548.5(TSC2):c.5161A>G (p.Met1721Val)

Gene: TSC2 (TSC complex subunit 2; plus strand). Cytogenetic location: 16p13.3.
Variant type: single nucleotide variant.
Coding change: c.5161A>G on transcript NM_000548.5 (MANE Select); coding-DNA position 5161, A replaced by G.
Protein change: p.Met1721Val; replaces methionine 1721 with valine.
Molecular consequence: missense variant. On other transcripts: intron variant (1).
Genome position (GRCh38, 1-based): chr16:2,088,227, A>G. VCF-style: chr16-2088227-A-G. GRCh37 (hg19) VCF-style: chr16-2138228-A-G.
Other names: c.4960A>G, p.Met1654Val (NM_001077183.3); c.5092A>G, p.Met1698Val (NM_001114382.3); c.4852A>G, p.Met1618Val (NM_001318827.2); c.4816A>G, p.Met1606Val (NM_001318829.2); c.4429A>G, p.Met1477Val (NM_001318831.2); c.4993A>G, p.Met1665Val (NM_001318832.2); c.4963A>G, p.Met1655Val (NM_001363528.2); c.5029A>G, p.Met1677Val (NM_001370404.1); and 2 more; short protein forms M1721V, M1606V, M1655V, M1678V, M1618V, M1654V, M1665V, M1677V.
Identifiers: ClinVar variation 406062 (VCV000406062.44), dbSNP rs45517407, ClinGen allele CA054307.

ClinVar aggregate classification (germline): Conflicting classifications of pathogenicity. Review status: criteria provided, conflicting classifications (1 of 4 stars). 8 submissions from 8 submitters: Uncertain significance (5); Benign (1); Likely benign (2). Last evaluated 2026-03-25.

Conditions:
Hereditary cancer-predisposing syndrome. Also called: Neoplastic Syndromes, Hereditary; Hereditary neoplastic syndrome; Tumor predisposition; Hereditary Cancer Syndrome. Identifiers: Orphanet 140162, MedGen C0027672, MeSH D009386, MONDO:0015356.
Tuberous sclerosis syndrome (TSC). Also called: Tuberous Sclerosis Complex; Tuberous sclerosis. Identifiers: Orphanet 805, MedGen C0041341, MONDO:0001734.
Tuberous sclerosis 2 (TSC2). Identifiers: Orphanet 805, MedGen C1860707, MONDO:0013199, OMIM 613254.

Allele frequency attached by ClinVar (database versions not stated): gnomAD 0.00001; TOPMed 0.00001; gnomAD exomes 0.00002 and 0.00003; ExAC 0.00003.

Submissions (8):

Ambry Genetics
Classification: Uncertain significance for Hereditary cancer-predisposing syndrome. Last evaluated: 2026-03-25. Review status: criteria provided, single submitter. Criteria: Ambry Variant Classification Scheme 2023. Collection method: clinical testing. Allele origin: germline.
Comment: The p.M1721V variant (also known as c.5161A>G), located in coding exon 40 of the TSC2 gene, results from a A to G substitution at nucleotide position 5161. This variant impacts the first base pair of coding exon 40. The methionine at codon 1721 is replaced by valine, an amino acid with highly similar properties. This amino acid position is highly conserved in available vertebrate species. In addition, this alteration is predicted to be deleterious by in silico analysis. Since supporting evidence is limited at this time, the clinical significance of this alteration remains unclear.

Labcorp Genetics (formerly Invitae), Labcorp
Classification: Likely benign for Tuberous sclerosis 2. Last evaluated: 2026-01-16. Review status: criteria provided, single submitter. Criteria: Invitae Variant Classification Sherloc (09022015). Collection method: clinical testing. Allele origin: germline.

Quest Diagnostics Nichols Institute San Juan Capistrano
Classification: Uncertain significance. Last evaluated: 2024-07-01. Review status: criteria provided, single submitter. Criteria: Quest Diagnostics criteria. Collection method: clinical testing. Allele origin: unknown.

Color Diagnostics, LLC DBA Color Health
Classification: Uncertain significance for Tuberous sclerosis syndrome. Last evaluated: 2024-06-13. Review status: criteria provided, single submitter. Criteria: ACMG Guidelines, 2015. Collection method: clinical testing. Allele origin: germline.
Comment: This missense variant replaces methionine with valine at codon 1721 of the TSC2 protein. Computational prediction suggests that this variant may have deleterious impact on protein structure and function. To our knowledge, functional studies have not been reported for this variant. This variant has not been reported in individuals affected with TSC2-related disorders in the literature. This variant has been identified in 4/250752 chromosomes in the general population by the Genome Aggregation Database (gnomAD). The available evidence is insufficient to determine the role of this variant in disease conclusively. Therefore, this variant is classified as a Variant of Uncertain Significance.

CeGaT Center for Human Genetics Tuebingen
Classification: Uncertain significance. Last evaluated: 2022-05-01. Review status: criteria provided, single submitter. Criteria: CeGaT Center For Human Genetics Tuebingen Variant Classification Criteria Version 2. Collection method: clinical testing. Allele origin: germline. Affected: yes. Observed: 1 variant allele.

Sema4
Classification: Uncertain significance for Hereditary cancer-predisposing syndrome. Last evaluated: 2022-02-17. Review status: criteria provided, single submitter. Criteria: Sema4 Curation Guidelines. Collection method: curation. Allele origin: germline.
Comment: The TSC2 c.5161A>G (p.M1721V) variant has not been reported in the literature to our knowledge. This variant was observed in 4/113196 chromosomes in the Non-Finnish European population, according to the Genome Aggregation Database (PMID: 32461654). The nucleotide is highly conserved and in silico tools suggest the impact of the variant on protein function is deleterious, though these predictions have not been confirmed by functional studies. The evidence is insufficient to meet ACMG/AMP criteria for classifying the variant as benign or pathogenic. Thus, the clinical significance of this variant is currently uncertain.

Genome-Nilou Lab
Classification: Benign for Tuberous sclerosis 2. Last evaluated: 2021-11-07. Review status: criteria provided, single submitter. Criteria: ACMG Guidelines, 2015. Collection method: clinical testing. Allele origin: germline. Affected: no.

GeneDx
Classification: Likely benign. Last evaluated: 2021-04-07. Review status: criteria provided, single submitter. Criteria: GeneDx Variant Classification Process June 2021. Collection method: clinical testing. Allele origin: germline. Affected: yes.

Literature cited by the submitters: PubMed 32461694 (cited by Quest Diagnostics Nichols Institute San Juan Capistrano).